The following is an entry in ClinVar:

ClinVar aggregate classification (germline): Likely benign (0 of 4 stars; one submission).

Conditions:
EPHB4-related disorder. Also called: EPHB4-related disorders; EPHB4-related condition.

Allele frequency attached by ClinVar (database versions not stated): gnomAD 0.00002; gnomAD exomes 0.00005; 1000 Genomes Project 30x 0.00016; TOPMed below 0.00001; 1000 Genomes Project 0.00020; ExAC 0.00023.
gnomAD v4.1: 67 of 1,548,184 alleles (0.0043%); highest among the groups gnomAD compares: South Asian, 0.077%; no homozygotes.

Submission:

PreventionGenetics, part of Exact Sciences
Classification: Likely benign for EPHB4-related condition. Last evaluated: 2022-11-07. Review status: no assertion criteria provided. Collection method: clinical testing. Allele origin: germline.
Comment: This variant is classified as likely benign based on ACMG/AMP sequence variant interpretation guidelines (Richards et al. 2015 PMID: 25741868, with internal and published modifications).

NM_004444.5(EPHB4):c.*5C>T

Gene: EPHB4 (EPH receptor B4; minus strand). Cytogenetic location: 7q22.1.
Variant type: single nucleotide variant.
Coding change: c.*5C>T on transcript NM_004444.5 (MANE Select); 5 bases downstream of the stop codon, C replaced by T.
Molecular consequence: 3 prime UTR variant.
Genome position (GRCh38, 1-based): chr7:100,803,456, G>A on the plus strand (C>T on the coding strand, the complement: EPHB4 is on the minus strand). VCF-style: chr7-100803456-G-A. GRCh37 (hg19) VCF-style: chr7-100401078-G-A.
Identifiers: ClinVar variation 3029263 (VCV003029263.2), dbSNP rs545342926, ClinGen allele CA4392465.
Genomic context (GRCh38, chr7:100,803,456, plus strand): 5'-GTGAGTCCCCACTCTGCCCCGGAAAATGGGGAGGCGGTGTCCCTGGGGTGGGGAGTTCCT[G>A]CAGGTCAGTACTGCGGGGCCGGTCCTCCTGTCCCACCCGGGGTTCCCGGCTTGGCCTGGG-3'